The following is an entry in ClinVar:

ClinVar aggregate classification (germline): Uncertain significance. Review status: criteria provided, multiple submitters, no conflicts (2 of 4 stars). 2 submissions from 2 submitters: Uncertain significance (2). Last evaluated 2025-07-24.

Conditions:
Fanconi anemia (FA). Also called: Fanconi's anemia. Identifiers: Orphanet 84, MedGen C0015625, MeSH D005199, MONDO:0019391.

gnomAD v4.1: 2 of 1,614,098 alleles (0.00012%); highest among the groups gnomAD compares: Middle Eastern, 0.016%; no homozygotes.

Submissions (2):

Labcorp Genetics (formerly Invitae), Labcorp
Classification: Uncertain significance for Fanconi anemia. Last evaluated: 2025-07-24. Review status: criteria provided, single submitter. Criteria: Invitae Variant Classification Sherloc (09022015). Collection method: clinical testing. Allele origin: germline.
Comment: This sequence change replaces alanine, which is neutral and non-polar, with valine, which is neutral and non-polar, at codon 278 of the FANCI protein (p.Ala278Val). This variant is not present in population databases (gnomAD no frequency). This variant has not been reported in the literature in individuals affected with FANCI-related conditions. Invitae Evidence Modeling of protein sequence and biophysical properties (such as structural, functional, and spatial information, amino acid conservation, physicochemical variation, residue mobility, and thermodynamic stability) has been performed for this missense variant. However, the output from this modeling did not meet the statistical confidence thresholds required to predict the impact of this variant on FANCI protein function. In summary, the available evidence is currently insufficient to determine the role of this variant in disease. Therefore, it has been classified as a Variant of Uncertain Significance.

Dasa
Classification: Uncertain significance. Last evaluated: 2025-06-06. Review status: criteria provided, single submitter. Criteria: DASA Assertion Criteria. Collection method: clinical testing. Allele origin: germline.
Comment: NM_001113378.2(FANCI):c.833C>T (p.Ala278Val) is a missense variant that results in the substitution of alanine with valine. This variant is rare in population databases. Computational prediction algorithms are consistent with a benign effect. The currently available literature and clinical evidence are not sufficient to establish a definitive association between this variant and the reported condition. Therefore, this variant is classified as a variant of uncertain significance.

NM_001113378.2(FANCI):c.833C>T (p.Ala278Val)

Gene: FANCI (FA complementation group I; plus strand). Cytogenetic location: 15q26.1.
Variant type: single nucleotide variant.
Coding change: c.833C>T on transcript NM_001113378.2 (MANE Select); coding-DNA position 833, C replaced by T.
Protein change: p.Ala278Val; replaces alanine 278 with valine.
Molecular consequence: missense variant.
Genome position (GRCh38, 1-based): chr15:89,268,476, C>T. VCF-style: chr15-89268476-C-T. GRCh37 (hg19) VCF-style: chr15-89811707-C-T.
Other names: c.554C>T, p.Ala185Val (NM_001376910.1); c.833C>T, p.Ala278Val (NM_001376911.1, NM_018193.3); short protein forms A185V, A278V.
Identifiers: ClinVar variation 4770408 (VCV004770408.3).